The following is an entry in ClinVar:

ClinVar aggregate classification (germline): Likely pathogenic (1 of 4 stars; one submission).

Submission:

GeneDx
Classification: Likely pathogenic. Last evaluated: 2017-12-01. Review status: criteria provided, single submitter. Criteria: GeneDx Variant Classification (06012015). Collection method: clinical testing. Allele origin: germline. Affected: yes.
Comment: The c.637_640dupCCCC variant in the PQBP1 gene has not been reported previously as a pathogenic variant nor as a benign variant, to our knowledge. The c.637_640dupCCCC variant causes a frameshift starting with codon Arginine 214, changes this amino acid to a Proline residue, and creates a premature Stop codon at position 14 of the new reading frame, denoted p.Arg214ProfsX14. This variant is predicted to cause loss of normal protein function through protein truncation. The c.637_640dupCCCC variant was not observed in approximately 6500 individuals of European and African American ancestry in the NHLBI Exome Sequencing Project, indicating it is not a common benign variant in these populations. We interpret c.637_640dupCCCC as a likely pathogenic variant.

NM_001032382.2(PQBP1):c.637_640dup (p.Arg214fs)

Gene: PQBP1 (polyglutamine binding protein 1; plus strand). Cytogenetic location: Xp11.23.
Variant type: Duplication.
Coding change: c.637_640dup on transcript NM_001032382.2 (MANE Select); coding-DNA positions 637 to 640, 4 bases duplicated (CCCC; older notation c.637_640dupCCCC).
Protein change: p.Arg214fs; shifts the reading frame from arginine 214.
Molecular consequence: frameshift variant.
Genome position (GRCh38, 1-based): chrX:48,902,791-48,902,794, CCCC duplicated; duplicating any 4 consecutive bases within chrX:48,902,789-48,902,794 gives the same sequence; the c. name uses the placement nearest the transcript's 3' end. VCF-style (leftmost placement, unchanged base first): chrX-48902788-G-GCCCC. GRCh37 (hg19) VCF-style: chrX-48760065-G-GCCCC.
Other names: c.637_640dupCCCC (NM_005710.2); c.637_640dup, p.Arg214fs (NM_001032381.2, NM_001032383.2, NM_001032384.1 and 1 more transcripts); c.634_637dup, p.Arg213fs (NM_001167989.2); c.613_616dup, p.Arg206fs (NM_001167990.2); c.337_340dup, p.Arg114fs (NM_001167992.1); c.352_355dup, p.Arg119fs (NM_144495.3); short protein forms R213fs, R114fs, R119fs, R206fs, R214fs.
Identifiers: ClinVar variation 422848 (VCV000422848.2), dbSNP rs606231196, ClinGen allele CA16621422.
Genomic context (GRCh38, chrX:48,902,788, plus strand): 5'-ACAGCAGTAAGCCGAAAGGATGAAGAGTTAGACCCCATGGACCCTAGCTCATACTCAGAC[G>GCCCC]CCCCCCGGTAAGTGACAACCCCTCTTGACTCAGTACGTGGACACCATCCTCCGGCCTCCT-3'